The following is an entry in ClinVar:

ClinVar aggregate classification (germline): Uncertain significance (1 of 4 stars; one submission).

gnomAD v4.1: 14 of 1,613,078 alleles (0.00087%); highest among the groups gnomAD compares: Middle Eastern, 0.016%; no homozygotes.

Submission:

Labcorp Genetics (formerly Invitae), Labcorp
Classification: Uncertain significance. Last evaluated: 2025-04-08. Review status: criteria provided, single submitter. Criteria: Invitae Variant Classification Sherloc (09022015). Collection method: clinical testing. Allele origin: germline.
Comment: This sequence change replaces arginine, which is basic and polar, with glutamine, which is neutral and polar, at codon 1541 of the NYNRIN protein (p.Arg1541Gln). This variant is present in population databases (rs769144777, gnomAD 0.006%). This variant has not been reported in the literature in individuals affected with NYNRIN-related conditions. ClinVar contains an entry for this variant (Variation ID: 3710788). Experimental studies and prediction algorithms are not available or were not evaluated, and the functional significance of this variant is currently unknown. In summary, the available evidence is currently insufficient to determine the role of this variant in disease. Therefore, it has been classified as a Variant of Uncertain Significance.

NM_025081.3(NYNRIN):c.4622G>A (p.Arg1541Gln)

Gene: NYNRIN (NYN domain and retroviral integrase containing; plus strand). Cytogenetic location: 14q12.
Variant type: single nucleotide variant.
Coding change: c.4622G>A on transcript NM_025081.3 (MANE Select); coding-DNA position 4622, G replaced by A.
Protein change: p.Arg1541Gln; replaces arginine 1541 with glutamine.
Molecular consequence: missense variant.
Genome position (GRCh38, 1-based): chr14:24,416,371, G>A. VCF-style: chr14-24416371-G-A. GRCh37 (hg19) VCF-style: chr14-24885577-G-A.
Other names: short protein forms R1541Q.
Identifiers: ClinVar variation 3710788 (VCV003710788.2).